The following is an entry in ClinVar:

ClinVar aggregate classification (germline): Uncertain significance (1 of 4 stars; one submission).

Submission:

GeneDx
Classification: Uncertain significance. Last evaluated: 2025-07-29. Review status: criteria provided, single submitter. Criteria: GeneDx Variant Classification Process June 2021. Collection method: clinical testing. Allele origin: germline. Affected: yes.
Comment: Not observed at significant frequency in large population cohorts (gnomAD); In silico analysis supports that this missense variant has a deleterious effect on protein structure/function; Has not been previously published as pathogenic or benign to our knowledge

NM_014991.6(WDFY3):c.3715C>A (p.Pro1239Thr)

Gene: WDFY3 (WD repeat and FYVE domain containing 3; minus strand). Cytogenetic location: 4q21.23.
Variant type: single nucleotide variant.
Coding change: c.3715C>A on transcript NM_014991.6 (MANE Select); coding-DNA position 3715, C replaced by A.
Protein change: p.Pro1239Thr; replaces proline 1239 with threonine.
Molecular consequence: missense variant.
Genome position (GRCh38, 1-based): chr4:84,787,668, G>T on the plus strand (C>A on the coding strand, the complement: WDFY3 is on the minus strand). VCF-style: chr4-84787668-G-T. GRCh37 (hg19) VCF-style: chr4-85708821-G-T.
Other names: short protein forms P1239T.
Identifiers: ClinVar variation 4690004 (VCV004690004.1).
Genomic context (GRCh38, chr4:84,787,668, plus strand): 5'-CAATTTGGCGTTGGGCAGGTGGAGTACCAATGTAGGCATAGACCGTGCTCACCACTGGTG[G>T]ATTTGCCGAACCTGAACCCCCTGGAGTACTGTGGACATAATGAAGCTGTAAGGAAGACAA-3'
Protein context (NP_055806.2, residues 1229-1249): STPGGSGSAN[Pro1239Thr]PVVSTVYAYI